The following is an entry in ClinVar:

NM_001458.5(FLNC):c.8142T>G (p.Ser2714Arg)

Genes: FLNC (filamin C; plus strand), FLNC-AS1 (FLNC antisense RNA 1; minus strand). Cytogenetic location: 7q32.1.
Variant type: single nucleotide variant.
Coding change: c.8142T>G on transcript NM_001458.5 (MANE Select); coding-DNA position 8142, T replaced by G.
Protein change: p.Ser2714Arg; replaces serine 2714 with arginine.
Molecular consequence: missense variant.
Genome position (GRCh38, 1-based): chr7:128,858,487, T>G. VCF-style: chr7-128858487-T-G. GRCh37 (hg19) VCF-style: chr7-128498541-T-G.
Other names: c.8043T>G, p.Ser2681Arg (NM_001127487.2); short protein forms S2681R, S2714R.
Identifiers: ClinVar variation 4812718 (VCV004812718.1).

ClinVar aggregate classification (germline): Uncertain significance (1 of 4 stars; one submission).

Conditions:
Hypertrophic cardiomyopathy 26. Also called: Cardiomyopathy, familial hypertrophic, 26. Identifiers: Orphanet 75249, MedGen C4310749, MONDO:0014883, OMIM 617047.
Myofibrillar myopathy 5. Also called: Filaminopathy (type); FILAMINOPATHY, AUTOSOMAL DOMINANT. Identifiers: Orphanet 171445, MedGen C1836050, MONDO:0012289, OMIM 609524.
Distal myopathy with posterior leg and anterior hand involvement. Also called: WILLIAMS DISTAL MYOPATHY. Identifiers: Orphanet 63273, MedGen C3279722, MONDO:0013550, OMIM 614065.

Submission:

Labcorp Genetics (formerly Invitae), Labcorp
Classification: Uncertain significance for Distal myopathy with posterior leg and anterior hand involvement; Myofibrillar myopathy 5; Hypertrophic cardiomyopathy 26. Last evaluated: 2025-05-14. Review status: criteria provided, single submitter. Criteria: Invitae Variant Classification Sherloc (09022015). Collection method: clinical testing. Allele origin: germline.
Comment: This sequence change replaces serine, which is neutral and polar, with arginine, which is basic and polar, at codon 2714 of the FLNC protein (p.Ser2714Arg). This variant is not present in population databases (gnomAD no frequency). This variant has not been reported in the literature in individuals affected with FLNC-related conditions. Invitae Evidence Modeling of protein sequence and biophysical properties (such as structural, functional, and spatial information, amino acid conservation, physicochemical variation, residue mobility, and thermodynamic stability) indicates that this missense variant is not expected to disrupt FLNC protein function with a negative predictive value of 95%. In summary, the available evidence is currently insufficient to determine the role of this variant in disease. Therefore, it has been classified as a Variant of Uncertain Significance.